The following is an entry in ClinVar:

ClinVar aggregate classification (germline): Pathogenic (3 of 4 stars; one submission).

Conditions:
Breast-ovarian cancer, familial, susceptibility to, 2 (BROVCA2). Also called: BRCA2 Hereditary Breast and Ovarian Cancer. Identifiers: Orphanet 145, MedGen C2675520, MONDO:0012933, OMIM 612555. Disease mechanism: loss of function.

Submission:

Evidence-based Network for the Interpretation of Germline Mutant Alleles (ENIGMA)
Classification: Pathogenic for Breast-ovarian cancer, familial, susceptibility to, 2. Last evaluated: 2017-12-15. Review status: reviewed by expert panel. Criteria: ENIGMA BRCA1/2 Classification Criteria (2017-06-29). Collection method: curation. Allele origin: germline. Study: ENIGMA.
Comment: Variant allele predicted to encode a truncated non-functional protein.

NM_000059.4(BRCA2):c.9017_9018insTCTA (p.Arg3007fs)

Gene: BRCA2 (BRCA2 DNA repair associated; plus strand). Cytogenetic location: 13q13.1.
Variant type: Insertion.
Coding change: c.9017_9018insTCTA on transcript NM_000059.4 (MANE Select); coding-DNA positions 9017 to 9018, TCTA inserted.
Protein change: p.Arg3007fs; shifts the reading frame from arginine 3007.
Molecular consequence: frameshift variant.
Genome position: GRCh38 VCF-style: chr13-32379811-A-ATATC. GRCh37 (hg19) VCF-style: chr13-32953948-A-ATATC.
Other names: short protein forms R3007fs.
Identifiers: ClinVar variation 548349 (VCV000548349.1), dbSNP rs1555288465, ClinGen allele CA658823622.
Genomic context (GRCh38, chr13:32,379,811, plus strand): 5'-TATACTGAGTATTTGGCGTCCATCATCAGATTTATATTCTCTGTTAACAGAAGGAAAGAG[A>ATATC]TACAGAATTTATCATCTTGCAACTTCAAAATCTAAAAGTAAATCTGAAAGAGCTAACATA-3'